The following is an entry in ClinVar:

ClinVar aggregate classification (germline): Uncertain significance. Review status: criteria provided, multiple submitters, no conflicts (2 of 4 stars). 2 submissions from 2 submitters: Uncertain significance (2). Last evaluated 2025-11-30.

Conditions:
Hereditary cancer-predisposing syndrome. Also called: Neoplastic Syndromes, Hereditary; Hereditary Cancer Syndrome; Hereditary neoplastic syndrome; Tumor predisposition. Identifiers: Orphanet 140162, MedGen C0027672, MeSH D009386, MONDO:0015356.

Allele frequency attached by ClinVar (database versions not stated): gnomAD exomes below 0.00001 and 0.00001; ExAC 0.00001.
gnomAD v4.1: 4 of 1,613,610 alleles (0.00025%); highest among the groups gnomAD compares: South Asian, 0.0033%; no homozygotes.

Submissions (2):

Labcorp Genetics (formerly Invitae), Labcorp
Classification: Uncertain significance. Last evaluated: 2025-11-30. Review status: criteria provided, single submitter. Criteria: Invitae Variant Classification Sherloc (09022015). Collection method: clinical testing. Allele origin: germline.
Comment: This sequence change replaces glutamine, which is neutral and polar, with arginine, which is basic and polar, at codon 1332 of the POLE protein (p.Gln1332Arg). This variant is present in population databases (rs757268276, gnomAD 0.006%). This variant has not been reported in the literature in individuals affected with POLE-related conditions. ClinVar contains an entry for this variant (Variation ID: 1058316). Invitae Evidence Modeling of protein sequence and biophysical properties (such as structural, functional, and spatial information, amino acid conservation, physicochemical variation, residue mobility, and thermodynamic stability) indicates that this missense variant is expected to disrupt POLE protein function with a positive predictive value of 80%. In summary, the available evidence is currently insufficient to determine the role of this variant in disease. Therefore, it has been classified as a Variant of Uncertain Significance.

Ambry Genetics
Classification: Uncertain significance for Hereditary cancer-predisposing syndrome. Last evaluated: 2025-05-24. Review status: criteria provided, single submitter. Criteria: Ambry Variant Classification Scheme 2023. Collection method: clinical testing. Allele origin: germline.
Comment: The p.Q1332R variant (also known as c.3995A>G), located in coding exon 31 of the POLE gene, results from an A to G substitution at nucleotide position 3995. The glutamine at codon 1332 is replaced by arginine, an amino acid with highly similar properties. This amino acid position is conserved. In addition, this alteration is predicted to be deleterious by in silico analysis. Based on the available evidence, the clinical significance of this variant remains unclear.

NM_006231.4(POLE):c.3995A>G (p.Gln1332Arg)

Gene: POLE (DNA polymerase epsilon, catalytic subunit; minus strand). Cytogenetic location: 12q24.33.
Variant type: single nucleotide variant.
Coding change: c.3995A>G on transcript NM_006231.4 (MANE Select); coding-DNA position 3995, A replaced by G.
Protein change: p.Gln1332Arg; replaces glutamine 1332 with arginine.
Molecular consequence: missense variant.
Genome position (GRCh38, 1-based): chr12:132,649,316, T>C on the plus strand (A>G on the coding strand, the complement: POLE is on the minus strand). VCF-style: chr12-132649316-T-C. GRCh37 (hg19) VCF-style: chr12-133225902-T-C.
Other names: c.3995A>G (NM_006231.2); short protein forms Q1332R.
Identifiers: ClinVar variation 1058316 (VCV001058316.10), dbSNP rs757268276, ClinGen allele CA6893036.